The following is an entry in ClinVar:

NM_182961.4(SYNE1):c.11595G>A (p.Thr3865=)

Gene: SYNE1 (spectrin repeat containing nuclear envelope protein 1; minus strand). Cytogenetic location: 6q25.2.
Variant type: single nucleotide variant.
Coding change: c.11595G>A on transcript NM_182961.4 (MANE Select); coding-DNA position 11595, G replaced by A.
Protein change: p.Thr3865=; no amino-acid change (threonine 3865 retained).
Molecular consequence: synonymous variant.
Genome position (GRCh38, 1-based): chr6:152,350,756, C>T on the plus strand (G>A on the coding strand, the complement: SYNE1 is on the minus strand). VCF-style: chr6-152350756-C-T. GRCh37 (hg19) VCF-style: chr6-152671891-C-T.
Other names: c.11550G>A (NM_033071.3); c.11550G>A, p.Thr3850= (NM_033071.5).
Identifiers: ClinVar variation 499375 (VCV000499375.11), dbSNP rs760332489, ClinGen allele CA4056642.

ClinVar aggregate classification (germline): Uncertain significance. Review status: criteria provided, multiple submitters, no conflicts (2 of 4 stars). 3 submissions from 3 submitters: Uncertain significance (2). 1 of the submissions does not count toward it. Last evaluated 2022-06-21.

Conditions:
SYNE1-related disorder. Also called: SYNE1-related disorders; SYNE1-related disease; SYNE1-related condition.
Emery-Dreifuss muscular dystrophy 4, autosomal dominant (EDMD4). Also called: EMERY-DREIFUSS MUSCULAR DYSTROPHY 4 WITH VARIABLE FEATURES. Identifiers: Orphanet 261, MedGen C2751807, MONDO:0013071, OMIM 612998.
Autosomal recessive ataxia, Beauce type. Also called: SYNE1 Deficiency; Spinocerebellar ataxia, autosomal recessive 8; ATAXIA, RECESSIVE, OF BEAUCE; SYNE1-Related Autosomal Recessive Cerebellar Ataxia. Identifiers: Orphanet 88644, MedGen C1853116, MONDO:0012549, OMIM 610743.

Allele frequency attached by ClinVar (database versions not stated): gnomAD exomes below 0.00001 and 0.00002; ExAC 0.00002; TOPMed 0.00002; gnomAD 0.00003.
gnomAD v4.1: 10 of 1,609,794 alleles (0.00062%); highest among the groups gnomAD compares: East Asian, 0.0045%; no homozygotes.

Submissions (3):

Labcorp Genetics (formerly Invitae), Labcorp
Classification: Uncertain significance for Emery-Dreifuss muscular dystrophy 4, autosomal dominant; Autosomal recessive ataxia, Beauce type. Last evaluated: 2022-06-21. Review status: criteria provided, single submitter. Criteria: Invitae Variant Classification Sherloc (09022015). Collection method: clinical testing. Allele origin: germline.
Comment: This sequence change affects codon 3850 of the SYNE1 mRNA. It is a 'silent' change, meaning that it does not change the encoded amino acid sequence of the SYNE1 protein. This variant is present in population databases (rs760332489, gnomAD 0.01%). This variant has not been reported in the literature in individuals affected with SYNE1-related conditions. ClinVar contains an entry for this variant (Variation ID: 499375). Algorithms developed to predict the effect of sequence changes on RNA splicing suggest that this variant may create or strengthen a splice site. In summary, the available evidence is currently insufficient to determine the role of this variant in disease. Therefore, it has been classified as a Variant of Uncertain Significance.

Eurofins Ntd Llc (ga)
Classification: Uncertain significance. Last evaluated: 2017-01-04. Review status: criteria provided, single submitter. Criteria: EGL Classification Definitions 2015. Collection method: clinical testing. Allele origin: germline. Observed: 1 variant allele, 1 heterozygote.

PreventionGenetics, part of Exact Sciences
Classification: Likely benign for SYNE1-related condition. Last evaluated: 2021-04-11. Review status: no assertion criteria provided. Collection method: clinical testing. Allele origin: germline. Not counted in ClinVar's aggregate classification.
Comment: This variant is classified as likely benign based on ACMG/AMP sequence variant interpretation guidelines (Richards et al. 2015 PMID: 25741868, with internal and published modifications).